The following is an entry in ClinVar:

ClinVar aggregate classification (germline): Uncertain significance. Review status: criteria provided, single submitter (1 of 4 stars). 2 submissions from 2 submitters: Uncertain significance (1). 1 of the submissions does not count toward it. Last evaluated 2021-08-27.

Conditions:
Microphthalmia. Also called: Microphthalmos. Identifiers: MedGen C0026010, MONDO:0021129, HP:0000568.
Isolated microphthalmia 2. Identifiers: Orphanet 2542, MedGen C1864720, MONDO:0012409, OMIM 610093.

Allele frequency attached by ClinVar (database versions not stated): gnomAD 0.00001; gnomAD exomes 0.00001; TOPMed 0.00002.
gnomAD v4.1: 11 of 1,568,052 alleles (0.0007%); highest among the groups gnomAD compares: East Asian, 0.024%; no homozygotes.

Submissions (2):

Labcorp Genetics (formerly Invitae), Labcorp
Classification: Uncertain significance for Isolated microphthalmia 2. Last evaluated: 2021-08-27. Review status: criteria provided, single submitter. Criteria: Invitae Variant Classification Sherloc (09022015). Collection method: clinical testing. Allele origin: germline.
Comment: This sequence change replaces alanine with valine at codon 342 of the VSX2 protein (p.Ala342Val). The alanine residue is moderately conserved and there is a small physicochemical difference between alanine and valine. This variant is not present in population databases (ExAC no frequency). This variant has not been reported in the literature in individuals affected with VSX2-related conditions. Algorithms developed to predict the effect of missense changes on protein structure and function (SIFT, PolyPhen-2, Align-GVGD) all suggest that this variant is likely to be tolerated. Algorithms developed to predict the effect of sequence changes on RNA splicing suggest that this variant may create or strengthen a splice site. In summary, the available evidence is currently insufficient to determine the role of this variant in disease. Therefore, it has been classified as a Variant of Uncertain Significance.

Natera, Inc.
Classification: Uncertain significance for Microphthalmia. Last evaluated: 2020-04-17. Review status: no assertion criteria provided. Collection method: clinical testing. Allele origin: germline. Not counted in ClinVar's aggregate classification.

NM_182894.3(VSX2):c.1025C>T (p.Ala342Val)

Gene: VSX2 (visual system homeobox 2; plus strand). Cytogenetic location: 14q24.3.
Variant type: single nucleotide variant.
Coding change: c.1025C>T on transcript NM_182894.3 (MANE Select); coding-DNA position 1025, C replaced by T.
Protein change: p.Ala342Val; replaces alanine 342 with valine.
Molecular consequence: missense variant.
Genome position (GRCh38, 1-based): chr14:74,260,858, C>T. VCF-style: chr14-74260858-C-T. GRCh37 (hg19) VCF-style: chr14-74727561-C-T.
Other names: short protein forms A342V.
Identifiers: ClinVar variation 971374 (VCV000971374.4), dbSNP rs1352241492, ClinGen allele CA390371242.
Genomic context (GRCh38, chr14:74,260,858, plus strand): 5'-GGACTGTGTCTGGGCCGGACAGCCTGGCCCGGAGTACCGAGAAGCCAGAGGAGGAGGAGG[C>T]CATGGATGAAGACAGGCCGGCGGAGAGGCTCAGTCCACCGCAGCTGGAGGACATGGCTTA-3'
Protein context (NP_878314.1, residues 332-352): RSTEKPEEEE[Ala342Val]MDEDRPAERL